The following is an entry in ClinVar:

ClinVar aggregate classification (germline): Uncertain significance. Review status: criteria provided, multiple submitters, no conflicts (2 of 4 stars). 2 submissions from 2 submitters: Uncertain significance (2). Last evaluated 2025-06-03.

Conditions:
Inborn genetic diseases. Identifiers: MedGen C0950123, MeSH D030342.
Combined immunodeficiency due to LRBA deficiency. Also called: Common variable immunodeficiency 8, with autoimmunity. Identifiers: Orphanet 445018, MedGen C3553512, MONDO:0013863, OMIM 614700.

Allele frequency attached by ClinVar (database versions not stated): gnomAD exomes below 0.00001.
gnomAD v4.1: 3 of 1,613,670 alleles (0.00019%); highest among the groups gnomAD compares: Non-Finnish European, 0.00025%; no homozygotes.

Submissions (2):

Ambry Genetics
Classification: Uncertain significance for Inborn genetic diseases. Last evaluated: 2025-06-03. Review status: criteria provided, single submitter. Criteria: Ambry Variant Classification Scheme 2023. Collection method: clinical testing. Allele origin: germline.

Labcorp Genetics (formerly Invitae), Labcorp
Classification: Uncertain significance for Combined immunodeficiency due to LRBA deficiency. Last evaluated: 2020-12-06. Review status: criteria provided, single submitter. Criteria: Invitae Variant Classification Sherloc (09022015). Collection method: clinical testing. Allele origin: germline.
Comment: This sequence change replaces tryptophan with glycine at codon 626 of the LRBA protein (p.Trp626Gly). The tryptophan residue is moderately conserved and there is a large physicochemical difference between tryptophan and glycine. In summary, the available evidence is currently insufficient to determine the role of this variant in disease. Therefore, it has been classified as a Variant of Uncertain Significance. Algorithms developed to predict the effect of missense changes on protein structure and function are either unavailable or do not agree on the potential impact of this missense change (SIFT: "Deleterious"; PolyPhen-2: "Probably Damaging"; Align-GVGD: "Class C0"). This variant has not been reported in the literature in individuals with LRBA-related conditions. This variant is not present in population databases (ExAC no frequency).

NM_001364905.1(LRBA):c.1876T>G (p.Trp626Gly)

Gene: LRBA (LPS responsive beige-like anchor protein; minus strand). Cytogenetic location: 4q31.3.
Variant type: single nucleotide variant.
Coding change: c.1876T>G on transcript NM_001364905.1 (MANE Select); coding-DNA position 1876, T replaced by G.
Protein change: p.Trp626Gly; replaces tryptophan 626 with glycine.
Molecular consequence: missense variant.
Genome position (GRCh38, 1-based): chr4:150,900,097, A>C on the plus strand (T>G on the coding strand, the complement: LRBA is on the minus strand). VCF-style: chr4-150900097-A-C. GRCh37 (hg19) VCF-style: chr4-151821249-A-C.
Other names: c.1876T>G, p.Trp626Gly (NM_001199282.3, NM_001367550.1, NM_006726.5); short protein forms W626G.
Identifiers: ClinVar variation 1496651 (VCV001496651.9), dbSNP rs2127132568, ClinGen allele CA358430117.